The following is an entry in ClinVar:

ClinVar aggregate classification (germline): Uncertain significance (1 of 4 stars; one submission).

Conditions:
Immunodeficiency 104. Also called: Severe combined immunodeficiency, autosomal recessive, T cell-negative, B cell-positive, NK cell-positive; SCID, AUTOSOMAL RECESSIVE, T CELL-NEGATIVE, B CELL-POSITIVE, NK CELL-POSITIVE; IMMUNODEFICIENCY 104, SEVERE COMBINED; Severe Combined Immune Deficiency, Autosomal Recessive, TCell -Negative, B Cell-Positive, NK Cell-Positive, IL7R-Related. Identifiers: MedGen C5676890, MONDO:0012163, OMIM 608971.

Allele frequency attached by ClinVar (database versions not stated): gnomAD exomes below 0.00001.
gnomAD v4.1: 1 of 1,613,346 alleles (0.000062%); highest among the groups gnomAD compares: South Asian, 0.0011%; no homozygotes.

Submission:

Labcorp Genetics (formerly Invitae), Labcorp
Classification: Uncertain significance for Immunodeficiency 104. Last evaluated: 2022-07-12. Review status: criteria provided, single submitter. Criteria: Invitae Variant Classification Sherloc (09022015). Collection method: clinical testing. Allele origin: germline.
Comment: This sequence change replaces valine, which is neutral and non-polar, with isoleucine, which is neutral and non-polar, at codon 160 of the IL7R protein (p.Val160Ile). This variant is not present in population databases (gnomAD no frequency). This variant has not been reported in the literature in individuals affected with IL7R-related conditions. ClinVar contains an entry for this variant (Variation ID: 1000081). Advanced modeling of protein sequence and biophysical properties (such as structural, functional, and spatial information, amino acid conservation, physicochemical variation, residue mobility, and thermodynamic stability) performed at Invitae indicates that this missense variant is expected to disrupt IL7R protein function. In summary, the available evidence is currently insufficient to determine the role of this variant in disease. Therefore, it has been classified as a Variant of Uncertain Significance.

NM_002185.5(IL7R):c.478G>A (p.Val160Ile)

Gene: IL7R (interleukin 7 receptor; plus strand). Cytogenetic location: 5p13.2.
Variant type: single nucleotide variant.
Coding change: c.478G>A on transcript NM_002185.5 (MANE Select); coding-DNA position 478, G replaced by A.
Protein change: p.Val160Ile; replaces valine 160 with isoleucine.
Molecular consequence: missense variant. On other transcripts: non-coding transcript variant (1).
Genome position (GRCh38, 1-based): chr5:35,871,154, G>A. VCF-style: chr5-35871154-G-A. GRCh37 (hg19) VCF-style: chr5-35871256-G-A.
Other names: short protein forms V160I.
Identifiers: ClinVar variation 1000081 (VCV001000081.6), dbSNP rs1760065433, ClinGen allele CA359430127.
Genomic context (GRCh38, chr5:35,871,154, plus strand): 5'-CGGGAAGGAGCCAATGACTTTGTGGTGACATTTAATACATCACACTTGCAAAAGAAGTAT[G>A]TAAAAGTTTTAATGCACGATGTAGCTTACCGCCAGGAAAAGGATGAAAACAAATGGACGG-3'
Protein context (NP_002176.2, residues 150-170): FNTSHLQKKY[Val160Ile]KVLMHDVAYR